The following is an entry in ClinVar:

ClinVar aggregate classification (germline): Uncertain significance (1 of 4 stars; one submission).

Submission:

Labcorp Genetics (formerly Invitae), Labcorp
Classification: Uncertain significance. Last evaluated: 2025-03-07. Review status: criteria provided, single submitter. Criteria: Invitae Variant Classification Sherloc (09022015). Collection method: clinical testing. Allele origin: germline.
Comment: This sequence change replaces proline, which is neutral and non-polar, with histidine, which is basic and polar, at codon 775 of the COL4A1 protein (p.Pro775His). This variant is not present in population databases (gnomAD no frequency). This variant has not been reported in the literature in individuals affected with COL4A1-related conditions. Invitae Evidence Modeling of protein sequence and biophysical properties (such as structural, functional, and spatial information, amino acid conservation, physicochemical variation, residue mobility, and thermodynamic stability) indicates that this missense variant is not expected to disrupt COL4A1 protein function with a negative predictive value of 95%. In summary, the available evidence is currently insufficient to determine the role of this variant in disease. Therefore, it has been classified as a Variant of Uncertain Significance.

NM_001845.6(COL4A1):c.2324C>A (p.Pro775His)

Gene: COL4A1 (collagen type IV alpha 1 chain; minus strand). Cytogenetic location: 13q34.
Variant type: single nucleotide variant.
Coding change: c.2324C>A on transcript NM_001845.6 (MANE Select); coding-DNA position 2324, C replaced by A.
Protein change: p.Pro775His; replaces proline 775 with histidine.
Molecular consequence: missense variant.
Genome position (GRCh38, 1-based): chr13:110,179,291, G>T on the plus strand (C>A on the coding strand, the complement: COL4A1 is on the minus strand). VCF-style: chr13-110179291-G-T. GRCh37 (hg19) VCF-style: chr13-110831638-G-T.
Other names: short protein forms P775H.
Identifiers: ClinVar variation 4746042 (VCV004746042.1).
Genomic context (GRCh38, chr13:110,179,291, plus strand): 5'-CTGTCCTCGAAACCCTCCAGACTGATCTGCATGAAGTTACCTCTGATCCCCTGAAGCCCA[G>T]GGGGTCCGATCGCTCCATGTTCTCCAGGAACGCCTGGTACCCCAATGCTCCCCTTCTCCC-3'
Protein context (NP_001836.3, residues 765-785): VPGEHGAIGP[Pro775His]GLQGIRGEPG